The following is an entry in ClinVar:

ClinVar aggregate classification (germline): Benign. Review status: criteria provided, single submitter (1 of 4 stars). 2 submissions from 2 submitters: Benign (1). 1 of the submissions does not count toward it. Last evaluated 2025-07-11.

Conditions:
ATP13A3-related disorder. Also called: ATP13A3-related condition.

Allele frequency attached by ClinVar (database versions not stated): gnomAD exomes 0.00029; ExAC 0.00095; 1000 Genomes Project 30x 0.00187; 1000 Genomes Project 0.00220; ESP Exome Variant Server 0.00268; gnomAD 0.00291; TOPMed 0.00332.
gnomAD v4.1: 881 of 1,608,700 alleles (0.055%); highest among the groups gnomAD compares: African/African-American, 1%; 6 homozygotes.

Submissions (2):

Labcorp Genetics (formerly Invitae), Labcorp
Classification: Benign. Last evaluated: 2025-07-11. Review status: criteria provided, single submitter. Criteria: Invitae Variant Classification Sherloc (09022015). Collection method: clinical testing. Allele origin: germline.

PreventionGenetics, part of Exact Sciences
Classification: Benign for ATP13A3-related condition. Last evaluated: 2019-02-22. Review status: no assertion criteria provided. Collection method: clinical testing. Allele origin: germline. Not counted in ClinVar's aggregate classification.
Comment: This variant is classified as benign based on ACMG/AMP sequence variant interpretation guidelines (Richards et al. 2015 PMID: 25741868, with internal and published modifications).

NM_001367549.1(ATP13A3):c.727A>G (p.Ile243Val)

Gene: ATP13A3 (ATPase 13A3; minus strand). Cytogenetic location: 3q29.
Variant type: single nucleotide variant.
Coding change: c.727A>G on transcript NM_001367549.1 (MANE Select); coding-DNA position 727, A replaced by G.
Protein change: p.Ile243Val; replaces isoleucine 243 with valine.
Molecular consequence: missense variant. On other transcripts: non-coding transcript variant (2).
Genome position (GRCh38, 1-based): chr3:194,454,296, T>C on the plus strand (A>G on the coding strand, the complement: ATP13A3 is on the minus strand). VCF-style: chr3-194454296-T-C. GRCh37 (hg19) VCF-style: chr3-194175025-T-C.
Other names: c.727A>G (NM_024524.3); c.646A>G, p.Ile216Val (NM_001374836.1); c.727A>G, p.Ile243Val (NM_024524.4); short protein forms I216V, I243V.
Identifiers: ClinVar variation 2055537 (VCV002055537.6), dbSNP rs73889875, ClinGen allele CA2762178.